The following is an entry in ClinVar:

ClinVar aggregate classification (germline): Uncertain significance (1 of 4 stars; one submission).

Conditions:
Inborn genetic diseases. Identifiers: MedGen C0950123, MeSH D030342.

gnomAD v4.1: 4 of 1,613,694 alleles (0.00025%); highest among the groups gnomAD compares: African/African-American, 0.0053%; no homozygotes.

Submission:

Ambry Genetics
Classification: Uncertain significance for Inborn genetic diseases. Last evaluated: 2025-12-29. Review status: criteria provided, single submitter. Criteria: Ambry Variant Classification Scheme 2023. Collection method: clinical testing. Allele origin: germline.
Comment: The c.394T>A (p.S132T) alteration is located in exon 5 (coding exon 4) of the ATN1 gene. This alteration results from a T to A substitution at nucleotide position 394, causing the serine (S) at amino acid position 132 to be replaced by a threonine (T). Based on data from gnomAD, the A allele has an overall frequency of 0.003% (1/31284) total alleles studied. The highest observed frequency was 0.012% (1/8658) of African alleles. Based on insufficient or conflicting evidence, the clinical significance of this alteration remains unclear.

NM_001940.4(ATN1):c.394T>A (p.Ser132Thr)

Gene: ATN1 (atrophin 1; plus strand). Cytogenetic location: 12p13.31.
Variant type: single nucleotide variant.
Coding change: c.394T>A on transcript NM_001940.4 (MANE Select); coding-DNA position 394, T replaced by A.
Protein change: p.Ser132Thr; replaces serine 132 with threonine.
Molecular consequence: missense variant.
Genome position (GRCh38, 1-based): chr12:6,935,661, T>A. VCF-style: chr12-6935661-T-A. GRCh37 (hg19) VCF-style: chr12-7044824-T-A.
Other names: c.394T>A, p.Ser132Thr (NM_001007026.2, NM_001424176.1, NM_001424177.1 and 1 more transcripts); c.391T>A, p.Ser131Thr (NM_001424179.1, NM_001424180.1); short protein forms S132T, S131T.
Identifiers: ClinVar variation 4831696 (VCV004831696.1).